The following is an entry in ClinVar:

NM_001009944.3(PKD1):c.1606+1del

Gene: PKD1 (polycystin 1, transient receptor potential channel interacting; minus strand). Cytogenetic location: 16p13.3.
Variant type: Deletion.
Coding change: c.1606+1del on transcript NM_001009944.3 (MANE Select); the canonical splice donor site of the intron after coding-DNA position 1606, one base deleted (G; older notation c.1606+1delG).
Molecular consequence: splice donor variant.
Genome position (GRCh38, 1-based): chr16:2,116,832, C deleted on the plus strand (G on the coding strand, the reverse complement: PKD1 is on the minus strand); the first of 2 consecutive C bases (chr16:2,116,832-2,116,833); deleting either gives the same sequence. VCF-style (leftmost placement, unchanged base first): chr16-2116831-AC-A. GRCh37 (hg19) VCF-style: chr16-2166832-AC-A.
Other names: c.1606+1del (NM_000296.4).
Identifiers: ClinVar variation 4855532 (VCV004855532.1).
Genomic context (GRCh38, chr16:2,116,831, plus strand): 5'-GGCGCTCGGCAGGCCCCTAACCACAGCCAGCGTCTCAGGCCCCTGCCTGGCCCCCCGCAC[AC>A]CTCCGGGCTGCAGCTCGCAGACGTAGCTGTGCGGCGCTGAGCACAGGTCGGTGTTACACC-3'

ClinVar aggregate classification (germline): Likely pathogenic (1 of 4 stars; one submission).

Conditions:
Polycystic kidney disease, adult type (PKD1). Also called: Polycystic Kidney, Autosomal Dominant; POLYCYSTIC KIDNEY DISEASE, ADULT, TYPE I; Polycystic Kidney Disease 1, Autosomal Dominant; Polycystic kidney disease 1; Polycystic kidney disease 1, severe; POLYCYSTIC KIDNEY DISEASE 1 WITH OR WITHOUT POLYCYSTIC LIVER DISEASE. Identifiers: MedGen C3149841, MONDO:0008263, OMIM 173900.

Submission:

3billion
Classification: Likely pathogenic for Polycystic kidney disease, adult type. Last evaluated: 2025-05-09. Review status: criteria provided, single submitter. Criteria: ACMG Guidelines, 2015. Collection method: clinical testing. Allele origin: germline. Affected: yes.
Comment: The variant is not observed in the gnomAD v4.1.0 dataset. Predicted Consequence/Location: Canonical splice site: predicted to alter splicing and result in a loss or disruption of normal protein function. Multiple pathogenic loss-of-function variants are reported downstream of the variant. In silico tools predict the variant to alter splicing and produce an abnormal transcript [SpliceAI: 0.94 (spliceogenicity >=0.2, non-spliceogenicity <0.1)]. Therefore, this variant is classified as Likely pathogenic according to the recommendation of ACMG/AMP guideline.